The following is an entry in ClinVar:

ClinVar aggregate classification (germline): Likely pathogenic (1 of 4 stars; one submission).

Conditions:
Wooly hair, autosomal recessive 1, with or without hypotrichosis. Also called: Woolly hair, autosomal recessive 1, with or without hypotrichosis. Identifiers: MedGen C1848435, MONDO:0800312.

Submission:

Department of Pediatric Genetics, University of Health Sciences, Ankara Bilkent City Children’s Hospital
Classification: Likely pathogenic for Wooly hair, autosomal recessive 1, with or without hypotrichosis. Last evaluated: 2024-12-01. Review status: criteria provided, single submitter. Criteria: ACMG Guidelines, 2015. Collection method: clinical testing. Allele origin: biparental. Affected: yes.
Comment: The c.84delT (p.Phe28fsTer5) variant in the LPAR6 gene (NM_001162498.3) is a frameshift variant located in exon 1 and has not been previously reported in ClinVar. This variant is predicted to result in loss of function due to a truncated or absent protein (PVS1). The allele frequency of this variant is not reported, and it is absent from population databases such as gnomAD (PM2). PM3 was applied based on the identification of the variant in a homozygous state in a patient with a clinically consistent autosomal recessive disorder. In summary, this variant meets the criteria to be classified as likely pathogenic for Woolly hair, autosomal recessive 1 with or without hypotrichosis (#278150), based on the ACMG guidelines (Richards et al., 2015), with supporting evidence from criteria PVS1, PM2, and PM3.

NM_001162498.3(LPAR6):c.84del (p.Phe28fs)

Genes: LPAR6 (lysophosphatidic acid receptor 6; minus strand), RB1 (RB transcriptional corepressor 1; plus strand). Cytogenetic location: 13q14.2.
Variant type: Deletion.
Coding change: c.84del on transcript NM_001162498.3 (MANE Select); coding-DNA position 84, one base deleted (T; older notation c.84delT).
Protein change: p.Phe28fs; shifts the reading frame from phenylalanine 28.
Molecular consequence: frameshift variant. On other transcripts: intron variant (2).
Genome position (GRCh38, 1-based): chr13:48,412,340, A deleted on the plus strand (T on the coding strand, the reverse complement: LPAR6 is on the minus strand); the first of 3 consecutive A bases (chr13:48,412,340-48,412,342); deleting any one gives the same sequence. VCF-style (leftmost placement, unchanged base first): chr13-48412339-CA-C. GRCh37 (hg19) VCF-style: chr13-48986475-CA-C.
Other names: c.84delT (NM_001162498.3); c.84del, p.Phe28fs (NM_001162497.3, NM_001377316.2, NM_001377317.2 and 1 more transcripts); c.1695+30899del (NM_001407165.1, NM_000321.3); short protein forms F28fs.
Identifiers: ClinVar variation 4073585 (VCV004073585.1).
Genomic context (GRCh38, chr13:48,412,339, plus strand): 5'-GGACTTTGAGGACGCAGATGAAAATGTATATGGCAACACAATTGGATATTAACCCAAGCA[CA>C]AACACCATGCTGAACATGCACCCATACAAAGTGTACTTAAAGGAGTCATTATAGAAGCAG-3'